The following is an entry in ClinVar:

ClinVar aggregate classification (germline): Conflicting classifications of pathogenicity. Review status: criteria provided, conflicting classifications (1 of 4 stars). 2 submissions from 2 submitters: Uncertain significance (1); Likely benign (1). Last evaluated 2025-06-18.

Conditions:
Hereditary cancer-predisposing syndrome. Also called: Neoplastic Syndromes, Hereditary; Tumor predisposition; Hereditary neoplastic syndrome; Hereditary Cancer Syndrome. Identifiers: Orphanet 140162, MedGen C0027672, MeSH D009386, MONDO:0015356.

Submissions (2):

GeneDx
Classification: Uncertain significance. Last evaluated: 2025-06-18. Review status: criteria provided, single submitter. Criteria: GeneDx Variant Classification Process June 2021. Collection method: clinical testing. Allele origin: germline. Affected: yes.
Comment: Frameshift variant predicted to result in protein truncation or nonsense mediated decay in a gene or region of a gene for which loss of function is not a well-established mechanism of disease; Not observed at significant frequency in large population cohorts (gnomAD); Has not been previously published as pathogenic or benign to our knowledge

Ambry Genetics
Classification: Likely benign for Hereditary cancer-predisposing syndrome. Last evaluated: 2025-05-07. Review status: criteria provided, single submitter. Criteria: Ambry Variant Classification Scheme 2023. Collection method: clinical testing. Allele origin: germline.

NM_004304.5(ALK):c.2465del (p.Gly822fs)

Gene: ALK (ALK receptor tyrosine kinase; minus strand). Cytogenetic location: 2p23.2.
Variant type: Deletion.
Coding change: c.2465del on transcript NM_004304.5 (MANE Select); coding-DNA position 2465, one base deleted (G; older notation c.2465delG).
Protein change: p.Gly822fs; shifts the reading frame from glycine 822.
Molecular consequence: frameshift variant.
Genome position (GRCh38, 1-based): chr2:29,233,587, C deleted on the plus strand (G on the coding strand, the reverse complement: ALK is on the minus strand); the first of 5 consecutive C bases (chr2:29,233,587-29,233,591); deleting any one gives the same sequence. VCF-style (leftmost placement, unchanged base first): chr2-29233586-AC-A. GRCh37 (hg19) VCF-style: chr2-29456452-AC-A.
Other names: c.2465delG (NM_004304.4); c.2465del (NM_004304.4); short protein forms G822fs.
Identifiers: ClinVar variation 4039900 (VCV004039900.2).
Genomic context (GRCh38, chr2:29,233,586, plus strand): 5'-CACAGGAACCTGGTGGAAATCTGGCAGCACACACCATACCTTAAATACGTAGGTGGCTCC[AC>A]CCCCTCCTCCTCCGCCTCCTGCCCACTCATGCACGCTTCTGTTCACACGGATTTCTTCTT-3'